The following is an entry in ClinVar:

NC_000022.10:g.(?_32150888)_(32162674_?)del

Gene: DEPDC5 (DEP domain containing 5, GATOR1 subcomplex subunit; plus strand). Cytogenetic location: 22q12.2.
Variant type: Deletion.
Identifiers: ClinVar variation 1073184 (VCV001073184.5).

ClinVar aggregate classification (germline): Pathogenic (1 of 4 stars; one submission).

Conditions:
Familial focal epilepsy with variable foci (FPEVF). Identifiers: Orphanet 98820, MedGen C1858477, MONDO:0020310.

Submission:

Labcorp Genetics (formerly Invitae), Labcorp
Classification: Pathogenic for Familial focal epilepsy with variable foci. Last evaluated: 2022-11-15. Review status: criteria provided, single submitter. Criteria: Invitae Variant Classification Sherloc (09022015). Collection method: clinical testing. Allele origin: germline.
Comment: For these reasons, this variant has been classified as Pathogenic. This variant has not been reported in the literature in individuals affected with DEPDC5-related conditions. This variant is a gross deletion of the genomic region encompassing exon(s) 2-6 of the DEPDC5 gene, which includes the initiator codon. This deletion extends beyond the assayed region for this gene and therefore may encompass additional genes. It is expected to result in an absent or disrupted protein product. Loss-of-function variants in DEPDC5 are known to be pathogenic (PMID: 23542697, 23542701).

Literature cited by the submitters: PubMed 23542697; PubMed 23542701.